The following is an entry in ClinVar:

ClinVar aggregate classification (germline): Benign (1 of 4 stars; one submission).

Allele frequency attached by ClinVar (database versions not stated): 1000 Genomes Project 0.00060; 1000 Genomes Project 30x 0.00062; gnomAD exomes 0.00228; gnomAD 0.00249; TOPMed 0.00270.
gnomAD v4.1: 2,987 of 1,231,686 alleles (0.24%); highest among the groups gnomAD compares: Non-Finnish European, 0.15%; 42 homozygotes.

Submission:

CeGaT Center for Human Genetics Tuebingen
Classification: Benign. Last evaluated: 2023-06-01. Review status: criteria provided, single submitter. Criteria: CeGaT Center For Human Genetics Tuebingen Variant Classification Criteria Version 2. Collection method: clinical testing. Allele origin: germline. Affected: yes. Observed: 1 variant allele.
Comment: MALRD1: BS1, BS2

NM_001142308.3(MALRD1):c.1756T>G (p.Phe586Val)

Gene: MALRD1 (MAM and LDL receptor class A domain containing 1; plus strand). Cytogenetic location: 10p12.31.
Variant type: single nucleotide variant.
Coding change: c.1756T>G on transcript NM_001142308.3 (MANE Select); coding-DNA position 1756, T replaced by G.
Protein change: p.Phe586Val; replaces phenylalanine 586 with valine.
Molecular consequence: missense variant.
Genome position (GRCh38, 1-based): chr10:19,165,736, T>G. VCF-style: chr10-19165736-T-G. GRCh37 (hg19) VCF-style: chr10-19454665-T-G.
Other names: short protein forms F586V.
Identifiers: ClinVar variation 2640342 (VCV002640342.24), dbSNP rs182825388, ClinGen allele CA203777837.
Genomic context (GRCh38, chr10:19,165,736, plus strand): 5'-TCAGTTTTTACAAGAACGTCTCTAGATGGAAACTTGCAAAAGCAGGGCAAAATAATCAGA[T>G]TCTCCGAATCTCAGTGGAGCCACGCAAAAATTGATCTCATTGCAGAAGCGGGAGAATCTA-3'
Protein context (NP_001135780.2, residues 576-596): NLQKQGKIIR[Phe586Val]SESQWSHAKI